The following is an entry in ClinVar:

NM_001379500.1(COL18A1):c.242G>A (p.Arg81Gln)

Gene: COL18A1 (collagen type XVIII alpha 1 chain; plus strand). Cytogenetic location: 21q22.3.
Variant type: single nucleotide variant.
Coding change: c.242G>A on transcript NM_001379500.1 (MANE Select); coding-DNA position 242, G replaced by A.
Protein change: p.Arg81Gln; replaces arginine 81 with glutamine.
Molecular consequence: missense variant.
Genome position (GRCh38, 1-based): chr21:45,468,377, G>A. VCF-style: chr21-45468377-G-A. GRCh37 (hg19) VCF-style: chr21-46888291-G-A.
Other names: NM_130445.2:c.242G>A; c.782G>A, p.Arg261Gln (NM_030582.4); c.1487G>A, p.Arg496Gln (NM_130444.3); c.782G>A (NM_030582.3); short protein forms R261Q, R496Q, R81Q.
Identifiers: ClinVar variation 1416250 (VCV001416250.5), dbSNP rs371058906, ClinGen allele CA10065705.

ClinVar aggregate classification (germline): Uncertain significance. Review status: criteria provided, multiple submitters, no conflicts (2 of 4 stars). 3 submissions from 3 submitters: Uncertain significance (3). Last evaluated 2025-11-12.

Conditions:
COL18A1-related disorder. Also called: COL18A1-related disorders; COL18A1-related condition.
Inborn genetic diseases. Identifiers: MedGen C0950123, MeSH D030342.

Allele frequency attached by ClinVar (database versions not stated): gnomAD 0.00003 and 0.00004; gnomAD exomes 0.00003; ExAC 0.00004; TOPMed 0.00007; ESP Exome Variant Server 0.00016.
gnomAD v4.1: 45 of 1,613,726 alleles (0.0028%); highest among the groups gnomAD compares: African/African-American, 0.015%; no homozygotes.

Submissions (3):

PreventionGenetics, part of Exact Sciences
Classification: Uncertain significance for COL18A1-related condition. Last evaluated: 2025-11-12. Review status: criteria provided, single submitter. Criteria: ACMG Guidelines, 2015. Collection method: clinical testing. Allele origin: germline.
Comment: The COL18A1 c.782G>A variant is predicted to result in the amino acid substitution p.Arg261Gln. To our knowledge, this variant has not been reported in the literature. This variant is reported in 0.029% of alleles in individuals of African descent in gnomAD. At this time, the clinical significance of this variant is uncertain due to the absence of conclusive functional and genetic evidence.

Ambry Genetics
Classification: Uncertain significance for Inborn genetic diseases. Last evaluated: 2025-01-02. Review status: criteria provided, single submitter. Criteria: Ambry Variant Classification Scheme 2023. Collection method: clinical testing. Allele origin: germline.

Labcorp Genetics (formerly Invitae), Labcorp
Classification: Uncertain significance. Last evaluated: 2022-10-13. Review status: criteria provided, single submitter. Criteria: Invitae Variant Classification Sherloc (09022015). Collection method: clinical testing. Allele origin: germline.
Comment: This sequence change replaces arginine, which is basic and polar, with glutamine, which is neutral and polar, at codon 81 of the COL18A1 protein (p.Arg81Gln). This variant is present in population databases (rs371058906, gnomAD 0.03%). This variant has not been reported in the literature in individuals affected with COL18A1-related conditions. ClinVar contains an entry for this variant (Variation ID: 1416250). Experimental studies and prediction algorithms are not available or were not evaluated, and the functional significance of this variant is currently unknown. In summary, the available evidence is currently insufficient to determine the role of this variant in disease. Therefore, it has been classified as a Variant of Uncertain Significance.